The following is an entry in ClinVar:

NM_000238.4(KCNH2):c.662A>G (p.His221Arg)

Gene: KCNH2 (potassium voltage-gated channel subfamily H member 2; minus strand). Cytogenetic location: 7q36.1.
Variant type: single nucleotide variant.
Coding change: c.662A>G on transcript NM_000238.4 (MANE Select); coding-DNA position 662, A replaced by G.
Protein change: p.His221Arg; replaces histidine 221 with arginine.
Molecular consequence: missense variant.
Genome position (GRCh38, 1-based): chr7:150,958,313, T>C on the plus strand (A>G on the coding strand, the complement: KCNH2 is on the minus strand). VCF-style: chr7-150958313-T-C. GRCh37 (hg19) VCF-style: chr7-150655401-T-C.
Other names: c.374A>G, p.His125Arg (NM_001406753.1, NM_001406756.1); c.485A>G, p.His162Arg (NM_001406755.1); c.362A>G, p.His121Arg (NM_001406757.1); c.662A>G, p.His221Arg (NM_172056.3); short protein forms H121R, H162R, H221R, H125R.
Identifiers: ClinVar variation 2095744 (VCV002095744.4), dbSNP rs2486092367, ClinGen allele CA369862918.

ClinVar aggregate classification (germline): Uncertain significance (1 of 4 stars; one submission).

Conditions:
Long QT syndrome (LQTS). Identifiers: MedGen C0023976, MeSH D008133, MONDO:0002442. Disease mechanism: loss of function. Inheritance: Various modes of inheritance.

Submission:

Labcorp Genetics (formerly Invitae), Labcorp
Classification: Uncertain significance for Long QT syndrome. Last evaluated: 2024-10-10. Review status: criteria provided, single submitter. Criteria: Invitae Variant Classification Sherloc (09022015). Collection method: clinical testing. Allele origin: germline.
Comment: This sequence change replaces histidine, which is basic and polar, with arginine, which is basic and polar, at codon 221 of the KCNH2 protein (p.His221Arg). This variant is not present in population databases (gnomAD no frequency). This variant has not been reported in the literature in individuals affected with KCNH2-related conditions. ClinVar contains an entry for this variant (Variation ID: 2095744). An algorithm developed to predict the effect of missense changes on protein structure and function (PolyPhen-2) suggests that this variant is likely to be tolerated. In summary, the available evidence is currently insufficient to determine the role of this variant in disease. Therefore, it has been classified as a Variant of Uncertain Significance.